The following is an entry in ClinVar:

ClinVar aggregate classification (germline): Benign (1 of 4 stars; one submission).

Allele frequency attached by ClinVar (database versions not stated): 1000 Genomes Project 30x 0.85197; 1000 Genomes Project 0.85204; gnomAD 0.87532 and 0.87848; gnomAD exomes 0.87685; TOPMed 0.87938.
gnomAD v4.1: 534,851 of 610,406 alleles (88%); highest among the groups gnomAD compares: East Asian, 92%; 234,919 homozygotes.

Submission:

GeneDx
Classification: Benign. Last evaluated: 2018-06-14. Review status: criteria provided, single submitter. Criteria: GeneDx Variant Classification (06012015). Collection method: clinical testing. Allele origin: germline. Affected: yes.
Comment: This variant is considered likely benign or benign based on one or more of the following criteria: it is a conservative change, it occurs at a poorly conserved position in the protein, it is predicted to be benign by multiple in silico algorithms, and/or has population frequency not consistent with disease.

NM_006939.4(SOS2):c.345+145C>T

Gene: SOS2 (SOS Ras/Rho guanine nucleotide exchange factor 2; minus strand). Cytogenetic location: 14q21.3.
Variant type: single nucleotide variant.
Coding change: c.345+145C>T on transcript NM_006939.4 (MANE Select); 145 bases into the intron after coding-DNA position 345, C replaced by T.
Molecular consequence: intron variant.
Genome position (GRCh38, 1-based): chr14:50,200,808, G>A on the plus strand (C>T on the coding strand, the complement: SOS2 is on the minus strand). VCF-style: chr14-50200808-G-A. GRCh37 (hg19) VCF-style: chr14-50667526-G-A.
Identifiers: ClinVar variation 561590 (VCV000561590.1), dbSNP rs6572648, ClinGen allele CA14054120.